The following is an entry in ClinVar:

ClinVar aggregate classification (germline): Uncertain significance (1 of 4 stars; one submission).

Conditions:
FG syndrome (FGS). Identifiers: MedGen C0220769, MONDO:0002010.
X-linked intellectual disability with marfanoid habitus. Also called: Lujan Syndrome; Lujan Syndrome (LS); X-linked mental retardation with marfanoid habitus syndrome; INTELLECTUAL DEVELOPMENTAL DISORDER, X-LINKED, SYNDROMIC, LUJAN-FRYNS TYPE. Identifiers: Orphanet 776, MedGen C0796022, MONDO:0010655, OMIM 309520.
Blepharophimosis - intellectual disability syndrome, MKB type. Also called: X-Linked Ohdo Syndrome (XLOS); BLEPHAROPHIMOSIS-MENTAL RETARDATION SYNDROME, MAAT-KIEVIT-BRUNNER TYPE; Ohdo syndrome, X-linked. Identifiers: Orphanet 293707, MedGen C3698541, MONDO:0010477, OMIM 300895.

Submission:

Labcorp Genetics (formerly Invitae), Labcorp
Classification: Uncertain significance for FG syndrome. Last evaluated: 2017-06-28. Review status: criteria provided, single submitter. Criteria: Invitae Variant Classification Sherloc (09022015). Collection method: clinical testing. Allele origin: germline.
Comment: In summary, the available evidence is currently insufficient to determine the role of this variant in disease. Therefore, it has been classified as a Variant of Uncertain Significance. Algorithms developed to predict the effect of missense changes on protein structure and function do not agree on the potential impact of this missense change (SIFT: "Deleterious"; PolyPhen-2: "Benign"; Align-GVGD: "Class C65"). This variant has not been reported in the literature in individuals with MED12-related disease. This variant is not present in population databases (ExAC no frequency). This sequence change replaces arginine with glycine at codon 206 of the MED12 protein (p.Arg206Gly). The arginine residue is highly conserved and there is a moderate physicochemical difference between arginine and glycine.

NM_005120.3(MED12):c.616C>G (p.Arg206Gly)

Gene: MED12 (mediator complex subunit 12; plus strand). Cytogenetic location: Xq13.1.
Variant type: single nucleotide variant.
Coding change: c.616C>G on transcript NM_005120.3 (MANE Select); coding-DNA position 616, C replaced by G.
Protein change: p.Arg206Gly; replaces arginine 206 with glycine.
Molecular consequence: missense variant.
Genome position (GRCh38, 1-based): chrX:71,121,033, C>G. VCF-style: chrX-71121033-C-G. GRCh37 (hg19) VCF-style: chrX-70340883-C-G.
Other names: short protein forms R206G.
Identifiers: ClinVar variation 458822 (VCV000458822.11), dbSNP rs1556334331, ClinGen allele CA413500640.
Genomic context (GRCh38, chrX:71,121,033, plus strand): 5'-TGGACTCAGATCATCACCAAGTACTTATGGGAGCAGTTACAGAAGATGGCTGAATACTAC[C>G]GGCCAGGGCCTGCAGGAAGTGGGGGCTGTGGTTCCACGATAGGGCCCTTGCCCCATGATG-3'
Protein context (NP_005111.2, residues 196-216): EQLQKMAEYY[Arg206Gly]PGPAGSGGCG